The following is an entry in ClinVar:

ClinVar aggregate classification (germline): Uncertain significance. Review status: criteria provided, multiple submitters, no conflicts (2 of 4 stars). 2 submissions from 2 submitters: Uncertain significance (2). Last evaluated 2023-11-24.

Conditions:
Inborn genetic diseases. Identifiers: MedGen C0950123, MeSH D030342.

Allele frequency attached by ClinVar (database versions not stated): TOPMed below 0.00001; gnomAD 0.00001; gnomAD exomes 0.00002; ExAC 0.00005.
gnomAD v4.1: 30 of 1,613,996 alleles (0.0019%); highest among the groups gnomAD compares: South Asian, 0.032%; no homozygotes.

Submissions (2):

Labcorp Genetics (formerly Invitae), Labcorp
Classification: Uncertain significance. Last evaluated: 2023-11-24. Review status: criteria provided, single submitter. Criteria: Invitae Variant Classification Sherloc (09022015). Collection method: clinical testing. Allele origin: germline.
Comment: This sequence change replaces tyrosine, which is neutral and polar, with cysteine, which is neutral and slightly polar, at codon 1452 of the COL2A1 protein (p.Tyr1452Cys). This variant is present in population databases (rs745401764, gnomAD 0.03%). This variant has not been reported in the literature in individuals affected with COL2A1-related conditions. ClinVar contains an entry for this variant (Variation ID: 1978055). Advanced modeling of protein sequence and biophysical properties (such as structural, functional, and spatial information, amino acid conservation, physicochemical variation, residue mobility, and thermodynamic stability) performed at Invitae indicates that this missense variant is expected to disrupt COL2A1 protein function with a positive predictive value of 95%. In summary, the available evidence is currently insufficient to determine the role of this variant in disease. Therefore, it has been classified as a Variant of Uncertain Significance.

Ambry Genetics
Classification: Uncertain significance for Inborn genetic diseases. Last evaluated: 2022-07-05. Review status: criteria provided, single submitter. Criteria: Ambry Variant Classification Scheme 2023. Collection method: clinical testing. Allele origin: germline.

NM_001844.5(COL2A1):c.4355A>G (p.Tyr1452Cys)

Gene: COL2A1 (collagen type II alpha 1 chain; minus strand). Cytogenetic location: 12q13.11.
Variant type: single nucleotide variant.
Coding change: c.4355A>G on transcript NM_001844.5 (MANE Select); coding-DNA position 4355, A replaced by G.
Protein change: p.Tyr1452Cys; replaces tyrosine 1452 with cysteine.
Molecular consequence: missense variant.
Genome position (GRCh38, 1-based): chr12:47,973,516, T>C on the plus strand (A>G on the coding strand, the complement: COL2A1 is on the minus strand). VCF-style: chr12-47973516-T-C. GRCh37 (hg19) VCF-style: chr12-48367299-T-C.
Other names: c.4148A>G, p.Tyr1383Cys (NM_033150.3); short protein forms Y1383C, Y1452C.
Identifiers: ClinVar variation 1978055 (VCV001978055.6), dbSNP rs745401764, ClinGen allele CA6534472.